The following is an entry in ClinVar:

NC_000016.9:g.(?_23647371)_(23700359_?)del

Genes: PLK1 (polo like kinase 1; plus strand), PALB2 (partner and localizer of BRCA2; minus strand), DCTN5 (dynactin subunit 5; plus strand). Cytogenetic location: 16p12.2.
Variant type: Deletion.
Identifiers: ClinVar variation 3243354 (VCV003243354.1).

ClinVar aggregate classification (germline): Pathogenic (1 of 4 stars; one submission).

Conditions:
Familial cancer of breast. Also called: BREAST CANCER, FAMILIAL; Hereditary breast cancer; hereditary breast carcinoma. Identifiers: Orphanet 227535, MedGen C0346153, MONDO:0016419, OMIM 114480. Disease mechanism: loss of function.

Submission:

Labcorp Genetics (formerly Invitae), Labcorp
Classification: Pathogenic for Familial cancer of breast. Last evaluated: 2023-07-26. Review status: criteria provided, single submitter. Criteria: Invitae Variant Classification Sherloc (09022015). Collection method: clinical testing. Allele origin: unknown.
Comment: For these reasons, this variant has been classified as Pathogenic. This variant has not been reported in the literature in individuals affected with PALB2-related conditions. This variant results in the deletion of exons 1-3 and part of exon 4 (c.-200_1684del) of the PALB2 gene. It is expected to result in an absent or disrupted protein product. Loss-of-function variants in PALB2 are known to be pathogenic (PMID: 17200668, 17200671, 17200672, 24136930, 25099575).

Literature cited by the submitters: PubMed 17200668; PubMed 17200671; PubMed 17200672; PubMed 24136930; PubMed 25099575.